The following is an entry in ClinVar:

ClinVar aggregate classification (germline): Uncertain significance (1 of 4 stars; one submission).

Submission:

GeneDx
Classification: Uncertain significance. Last evaluated: 2025-08-02. Review status: criteria provided, single submitter. Criteria: GeneDx Variant Classification Process June 2021. Collection method: clinical testing. Allele origin: germline. Affected: yes.
Comment: Not observed at significant frequency in large population cohorts (gnomAD); In silico analysis supports that this missense variant has a deleterious effect on protein structure/function; Has not been previously published as pathogenic or benign to our knowledge; Not located in one of the three hot-spot regions of the RYR2 gene, where the majority of pathogenic missense variants occur (PMID: 19926015); This variant is associated with the following publications: (PMID: 19926015)

NM_001035.3(RYR2):c.158C>T (p.Ser53Phe)

Gene: RYR2 (ryanodine receptor 2; plus strand). Cytogenetic location: 1q43.
Variant type: single nucleotide variant.
Coding change: c.158C>T on transcript NM_001035.3 (MANE Select); coding-DNA position 158, C replaced by T.
Protein change: p.Ser53Phe; replaces serine 53 with phenylalanine.
Molecular consequence: missense variant.
Genome position (GRCh38, 1-based): chr1:237,270,606, C>T. VCF-style: chr1-237270606-C-T. GRCh37 (hg19) VCF-style: chr1-237433906-C-T.
Other names: short protein forms S53F.
Identifiers: ClinVar variation 4690063 (VCV004690063.1).